The following is an entry in ClinVar:

ClinVar aggregate classification (germline): Uncertain significance (1 of 4 stars; one submission).

Conditions:
Epileptic encephalopathy. Identifiers: MedGen C0543888, HP:0200134.

Submission:

Labcorp Genetics (formerly Invitae), Labcorp
Classification: Uncertain significance for Epileptic encephalopathy. Last evaluated: 2018-08-14. Review status: criteria provided, single submitter. Criteria: Invitae Variant Classification Sherloc (09022015). Collection method: clinical testing. Allele origin: germline.
Comment: In summary, the available evidence is currently insufficient to determine the role of this variant in disease. Therefore, it has been classified as a Variant of Uncertain Significance. Algorithms developed to predict the effect of missense changes on protein structure and function (SIFT, PolyPhen-2, Align-GVGD) all suggest that this variant is likely to be tolerated, but these predictions have not been confirmed by published functional studies and their clinical significance is uncertain. This variant has not been reported in the literature in individuals with RYR3-related disease. This variant is not present in population databases (ExAC no frequency). This sequence change replaces threonine with serine at codon 3904 of the RYR3 protein (p.Thr3904Ser). The threonine residue is moderately conserved and there is a small physicochemical difference between threonine and serine.

NM_001036.6(RYR3):c.11711C>G (p.Thr3904Ser)

Gene: RYR3 (ryanodine receptor 3; plus strand). Cytogenetic location: 15q14.
Variant type: single nucleotide variant.
Coding change: c.11711C>G on transcript NM_001036.6 (MANE Select); coding-DNA position 11711, C replaced by G.
Protein change: p.Thr3904Ser; replaces threonine 3904 with serine.
Molecular consequence: missense variant.
Genome position (GRCh38, 1-based): chr15:33,837,691, C>G. VCF-style: chr15-33837691-C-G. GRCh37 (hg19) VCF-style: chr15-34129892-C-G.
Other names: c.11696C>G, p.Thr3899Ser (NM_001243996.4); short protein forms T3904S, T3899S.
Identifiers: ClinVar variation 656616 (VCV000656616.8), dbSNP rs1596924208, ClinGen allele CA391592280.